The following is an entry in ClinVar:

NM_005560.6(LAMA5):c.7168C>T (p.Arg2390Trp)

Gene: LAMA5 (laminin subunit alpha 5; minus strand). Cytogenetic location: 20q13.33.
Variant type: single nucleotide variant.
Coding change: c.7168C>T on transcript NM_005560.6 (MANE Select); coding-DNA position 7168, C replaced by T.
Protein change: p.Arg2390Trp; replaces arginine 2390 with tryptophan.
Molecular consequence: missense variant.
Genome position (GRCh38, 1-based): chr20:62,318,525, G>A on the plus strand (C>T on the coding strand, the complement: LAMA5 is on the minus strand). VCF-style: chr20-62318525-G-A. GRCh37 (hg19) VCF-style: chr20-60893581-G-A.
Other names: p.Arg2390Trp; short protein forms R2390W.
Identifiers: ClinVar variation 2421270 (VCV002421270.7), dbSNP rs760136208, ClinGen allele CA9941394.

ClinVar aggregate classification (germline): Uncertain significance. Review status: criteria provided, multiple submitters, no conflicts (2 of 4 stars). 2 submissions from 2 submitters: Uncertain significance (2). Last evaluated 2023-11-15.

Allele frequency attached by ClinVar (database versions not stated): gnomAD 0.00005; TOPMed 0.00005; gnomAD exomes 0.00007; ExAC 0.00013.
gnomAD v4.1: 107 of 1,609,658 alleles (0.0066%); highest among the groups gnomAD compares: Middle Eastern, 0.017%; 1 homozygote.

Submissions (2):

Mayo Clinic Laboratories, Mayo Clinic
Classification: Uncertain significance. Last evaluated: 2023-11-15. Review status: criteria provided, single submitter. Criteria: ACMG Guidelines, 2015. Collection method: clinical testing. Allele origin: germline. Observed: 1 variant allele.
Comment: BP4

Labcorp Genetics (formerly Invitae), Labcorp
Classification: Uncertain significance. Last evaluated: 2022-09-02. Review status: criteria provided, single submitter. Criteria: Invitae Variant Classification Sherloc (09022015). Collection method: clinical testing. Allele origin: germline.
Comment: This variant is present in population databases (rs760136208, gnomAD 0.02%), including at least one homozygous and/or hemizygous individual. In summary, the available evidence is currently insufficient to determine the role of this variant in disease. Therefore, it has been classified as a Variant of Uncertain Significance. Algorithms developed to predict the effect of missense changes on protein structure and function are either unavailable or do not agree on the potential impact of this missense change (SIFT: "Deleterious"; PolyPhen-2: "Possibly Damaging"; Align-GVGD: "Class C0"). This variant has not been reported in the literature in individuals affected with LAMA5-related conditions. This sequence change replaces arginine, which is basic and polar, with tryptophan, which is neutral and slightly polar, at codon 2390 of the LAMA5 protein (p.Arg2390Trp).